The following is an entry in ClinVar:

ClinVar aggregate classification (germline): Uncertain significance. Review status: criteria provided, multiple submitters, no conflicts (2 of 4 stars). 2 submissions from 2 submitters: Uncertain significance (2). Last evaluated 2025-09-01.

Allele frequency attached by ClinVar (database versions not stated): gnomAD 0.00001; gnomAD exomes 0.00001; TOPMed below 0.00001; ExAC 0.00001.

Submissions (2):

Labcorp Genetics (formerly Invitae), Labcorp
Classification: Uncertain significance. Last evaluated: 2025-09-01. Review status: criteria provided, single submitter. Criteria: Invitae Variant Classification Sherloc (09022015). Collection method: clinical testing. Allele origin: germline.
Comment: This sequence change replaces histidine, which is basic and polar, with tyrosine, which is neutral and polar, at codon 92 of the MAD2L2 protein (p.His92Tyr). This variant is present in population databases (rs778083174, gnomAD 0.01%). This variant has not been reported in the literature in individuals affected with MAD2L2-related conditions. ClinVar contains an entry for this variant (Variation ID: 2874790). An algorithm developed to predict the effect of missense changes on protein structure and function (PolyPhen-2) suggests that this variant is likely to be tolerated. In summary, the available evidence is currently insufficient to determine the role of this variant in disease. Therefore, it has been classified as a Variant of Uncertain Significance.

Ambry Genetics
Classification: Uncertain significance. Last evaluated: 2024-01-23. Review status: criteria provided, single submitter. Criteria: Ambry Variant Classification Scheme 2023. Collection method: clinical testing. Allele origin: germline.

NM_006341.4(MAD2L2):c.274C>T (p.His92Tyr)

Gene: MAD2L2 (mitotic arrest deficient 2 like 2; minus strand). Cytogenetic location: 1p36.22.
Variant type: single nucleotide variant.
Coding change: c.274C>T on transcript NM_006341.4 (MANE Select); coding-DNA position 274, C replaced by T.
Protein change: p.His92Tyr; replaces histidine 92 with tyrosine.
Molecular consequence: missense variant.
Genome position (GRCh38, 1-based): chr1:11,676,906, G>A on the plus strand (C>T on the coding strand, the complement: MAD2L2 is on the minus strand). VCF-style: chr1-11676906-G-A. GRCh37 (hg19) VCF-style: chr1-11736963-G-A.
Other names: c.274C>T (NM_001127325.1); c.274C>T, p.His92Tyr (NM_001127325.2); short protein forms H92Y.
Identifiers: ClinVar variation 2874790 (VCV002874790.4), dbSNP rs778083174, ClinGen allele CA593806.
Genomic context (GRCh38, chr1:11,676,906, plus strand): 5'-ACCTGATGGACAGCAGTGGAGGCTGGGTGATCTCAAAGACGAATTTCTCCACTGGGCGGT[G>A]CTCTTTATCCAAAATCACCACCACCACTTTCTCCACATCATTCTGCAAAGAGAGGAACCC-3'
Protein context (NP_006332.3, residues 82-102): KVVVVILDKE[His92Tyr]RPVEKFVFEI